The following is an entry in ClinVar:

ClinVar aggregate classification (germline): Pathogenic (1 of 4 stars; one submission).

Conditions:
Sulfite oxidase deficiency due to molybdenum cofactor deficiency type C. Also called: Molybdenum cofactor deficiency, complementation group C; Molybdenum cofactor deficiency C. Identifiers: Orphanet 308400, Orphanet 833, MedGen C1854990, MONDO:0014212, OMIM 615501.

Submission:

Labcorp Genetics (formerly Invitae), Labcorp
Classification: Pathogenic for Sulfite oxidase deficiency due to molybdenum cofactor deficiency type C. Last evaluated: 2022-09-30. Review status: criteria provided, single submitter. Criteria: Invitae Variant Classification Sherloc (09022015). Collection method: clinical testing. Allele origin: germline.
Comment: For these reasons, this variant has been classified as Pathogenic. This variant has not been reported in the literature in individuals affected with GPHN-related conditions. This variant is not present in population databases (gnomAD no frequency). This sequence change creates a premature translational stop signal (p.Gln211Serfs*3) in the GPHN gene. It is expected to result in an absent or disrupted protein product. Loss-of-function variants in GPHN are known to be pathogenic (PMID: 11095995, 23184456, 23393157).

Literature cited by the submitters: PubMed 11095995; PubMed 23184456; PubMed 23393157.

NM_020806.5(GPHN):c.630dup (p.Gln211fs)

Gene: GPHN (gephyrin; plus strand). Cytogenetic location: 14q23.3.
Variant type: Duplication.
Coding change: c.630dup on transcript NM_020806.5 (MANE Select); coding-DNA position 630, one base duplicated (T; older notation c.630dupT).
Protein change: p.Gln211fs; shifts the reading frame from glutamine 211.
Molecular consequence: frameshift variant.
Genome position (GRCh38, 1-based): chr14:66,922,839, T duplicated; the last of 2 consecutive T bases (chr14:66,922,838-66,922,839); duplicating either gives the same sequence. VCF-style (leftmost placement, unchanged base first): chr14-66922837-G-GT. GRCh37 (hg19) VCF-style: chr14-67389554-G-GT.
Other names: c.630dup, p.Gln211fs (NM_001024218.2, NM_001377515.1, NM_001377516.1 and 2 more transcripts); c.669dup, p.Gln224fs (NM_001377514.1, NM_001377519.1); short protein forms Q211fs, Q224fs.
Identifiers: ClinVar variation 2028217 (VCV002028217.4), dbSNP rs2549615369, ClinGen allele CA2580088561.